The following is an entry in ClinVar:

ClinVar aggregate classification (germline): Uncertain significance. Review status: criteria provided, multiple submitters, no conflicts (2 of 4 stars). 3 submissions from 3 submitters: Uncertain significance (2). 1 of the submissions does not count toward it. Last evaluated 2023-09-01.

Conditions:
Tay-Sachs disease (TSD). Also called: HEXA DEFICIENCY; GM2 gangliosidosis, type 1; Hexosaminidase alpha-subunit deficiency (variant B); Sphingolipidosis, Tay-Sachs; Hexosaminidase A Deficiency; HEXA Disorders. Identifiers: Orphanet 845, MedGen C0039373, MONDO:0010100, OMIM 272800.

Allele frequency attached by ClinVar (database versions not stated): TOPMed below 0.00001; gnomAD 0.00001; gnomAD exomes 0.00001.

Submissions (3):

CeGaT Center for Human Genetics Tuebingen
Classification: Uncertain significance. Last evaluated: 2023-09-01. Review status: criteria provided, single submitter. Criteria: CeGaT Center For Human Genetics Tuebingen Variant Classification Criteria Version 2. Collection method: clinical testing. Allele origin: germline. Affected: yes. Observed: 1 variant allele.
Comment: HEXA: PM2, PP3

Labcorp Genetics (formerly Invitae), Labcorp
Classification: Uncertain significance for Tay-Sachs disease. Last evaluated: 2021-08-05. Review status: criteria provided, single submitter. Criteria: Invitae Variant Classification Sherloc (09022015). Collection method: clinical testing. Allele origin: germline.
Comment: This sequence change falls in intron 2 of the HEXA gene. It does not directly change the encoded amino acid sequence of the HEXA protein. It affects a nucleotide within the consensus splice site of the intron. This variant is not present in population databases (ExAC no frequency). This variant has not been reported in the literature in individuals with HEXA-related conditions. ClinVar contains an entry for this variant (Variation ID: 551190). Nucleotide substitutions within the consensus splice site are a relatively common cause of aberrant splicing (PMID: 17576681, 9536098). Algorithms developed to predict the effect of sequence changes on RNA splicing suggest that this variant may disrupt the consensus splice site, but this prediction has not been confirmed by published transcriptional studies. In summary, the available evidence is currently insufficient to determine the role of this variant in disease. Therefore, it has been classified as a Variant of Uncertain Significance.

Counsyl
Classification: Uncertain significance for Tay-Sachs disease. Last evaluated: 2017-03-24. Review status: no assertion criteria provided. Collection method: clinical testing. Allele origin: unknown. Not counted in ClinVar's aggregate classification.

Literature cited by the submitters: PubMed 17576681 (cited by Labcorp Genetics (formerly Invitae), Labcorp); PubMed 9536098 (cited by Labcorp Genetics (formerly Invitae), Labcorp).

NM_000520.6(HEXA):c.346+2dup

Gene: HEXA (hexosaminidase subunit alpha; minus strand). Cytogenetic location: 15q23.
Variant type: Duplication.
Coding change: c.346+2dup on transcript NM_000520.6 (MANE Select); the canonical splice donor site of the intron after coding-DNA position 346, one base duplicated (T; older notation c.346+2dupT).
Molecular consequence: splice donor variant.
Genome position (GRCh38, 1-based): chr15:72,356,523, A duplicated on the plus strand (T on the coding strand, the reverse complement: HEXA is on the minus strand). VCF-style (leftmost placement, unchanged base first): chr15-72356522-T-TA. GRCh37 (hg19) VCF-style: chr15-72648863-T-TA.
Other names: c.379+2dup (NM_001318825.2).
Identifiers: ClinVar variation 551190 (VCV000551190.29), dbSNP rs1430416918, ClinGen allele CA658824869.